The following is an entry in ClinVar:

ClinVar aggregate classification (germline): Likely benign. Review status: criteria provided, multiple submitters, no conflicts (2 of 4 stars). 2 submissions from 2 submitters: Likely benign (2). Last evaluated 2026-05-14.

Conditions:
Neurofibromatosis, type 1 (NF1). Also called: Peripheral type neurofibromatosis; Neurofibromatosis, type I; VON RECKLINGHAUSEN DISEASE; NEUROFIBROMATOSIS, TYPE I, SOMATIC. Identifiers: Orphanet 636, MedGen C0027831, MONDO:0018975, OMIM 162200. Disease mechanism: loss of function.

Allele frequency attached by ClinVar (database versions not stated): gnomAD exomes 0.00001 and below 0.00001; gnomAD 0.00001; ExAC 0.00002; TOPMed below 0.00001.
gnomAD v4.1: 7 of 1,613,406 alleles (0.00043%); highest among the groups gnomAD compares: Non-Finnish European, 0.00051%; no homozygotes.

Submissions (2):

Myriad Genetics, Inc.
Classification: Likely benign for Neurofibromatosis, type 1. Last evaluated: 2026-05-14. Review status: criteria provided, single submitter. Criteria: Myriad Autosomal Dominant, Autosomal Recessive and X-Linked Classification Criteria (2023). Collection method: clinical testing. Allele origin: unknown.
Comment: This variant is considered likely benign. This variant is intronic and is not expected to impact mRNA splicing.

Labcorp Genetics (formerly Invitae), Labcorp
Classification: Likely benign for Neurofibromatosis, type 1. Last evaluated: 2025-10-09. Review status: criteria provided, single submitter. Criteria: Invitae Variant Classification Sherloc (09022015). Collection method: clinical testing. Allele origin: germline.

NM_001042492.3(NF1):c.7971-8T>C

Gene: NF1 (neurofibromin 1; plus strand). Cytogenetic location: 17q11.2.
Variant type: single nucleotide variant.
Coding change: c.7971-8T>C on transcript NM_001042492.3 (MANE Select); 8 bases into the intron before coding-DNA position 7971, T replaced by C.
Molecular consequence: intron variant.
Genome position (GRCh38, 1-based): chr17:31,358,472, T>C. VCF-style: chr17-31358472-T-C. GRCh37 (hg19) VCF-style: chr17-29685490-T-C.
Other names: c.7908-8T>C (NM_000267.4).
Identifiers: ClinVar variation 457863 (VCV000457863.11), dbSNP rs766889741, ClinGen allele CA8487711.
Genomic context (GRCh38, chr17:31,358,472, plus strand): 5'-TTTCCACTACATATTTTCATTTAATTTTCCTCTAAAATGTTCCTCTGTTGACTTTTTTTT[T>C]CTTTTAGGCATAATTTGTTGGACTCTAAGATCAACACCCTGTTATCATTGTGCCAAGATC-3'